The following is an entry in ClinVar:

ClinVar aggregate classification (germline): Conflicting classifications of pathogenicity. Review status: criteria provided, conflicting classifications (1 of 4 stars). 2 submissions from 2 submitters: Uncertain significance (1); Likely benign (1). Last evaluated 2023-06-13.

Conditions:
Cardiomyopathy (CMYO). Also called: Cardiomyopathies. Identifiers: Orphanet 167848, MedGen C0878544, MONDO:0004994, HP:0001638. Inheritance: Various modes of inheritance.
Charcot-Marie-Tooth disease type 2. Also called: Charcot-Marie-Tooth type 2. Identifiers: Orphanet 64746, MedGen C0270914, MONDO:0018993.

Submissions (2):

Color Diagnostics, LLC DBA Color Health
Classification: Uncertain significance for Cardiomyopathy. Last evaluated: 2023-06-13. Review status: criteria provided, single submitter. Criteria: ACMG Guidelines, 2015. Collection method: clinical testing. Allele origin: germline.
Comment: This variant is located in the LMNA protein. To our knowledge, functional studies have not been reported for this variant. This variant has not been reported in individuals affected with LMNA-related disorders in the literature. This variant has not been identified in the general population by the Genome Aggregation Database (gnomAD). The available evidence is insufficient to determine the role of this variant in disease conclusively. Therefore, this variant is classified as a Variant of Uncertain Significance.

Labcorp Genetics (formerly Invitae), Labcorp
Classification: Likely benign for Charcot-Marie-Tooth disease type 2. Last evaluated: 2022-07-05. Review status: criteria provided, single submitter. Criteria: Invitae Variant Classification Sherloc (09022015). Collection method: clinical testing. Allele origin: germline.

NM_170707.4(LMNA):c.379C>T (p.Leu127=)

Genes: LMNA (lamin A/C; plus strand), LOC126805877 (MED14-independent group 3 enhancer GRCh37_chr1:156099693-156100892; plus strand). Cytogenetic location: 1q22.
Variant type: single nucleotide variant.
Coding change: c.379C>T on transcript NM_170707.4 (MANE Select); coding-DNA position 379, C replaced by T.
Protein change: p.Leu127=; no amino-acid change (leucine 127 retained).
Molecular consequence: synonymous variant.
Genome position (GRCh38, 1-based): chr1:156,130,639, C>T. VCF-style: chr1-156130639-C-T. GRCh37 (hg19) VCF-style: chr1-156100430-C-T.
Other names: c.43C>T, p.Leu15= (NM_001257374.3); c.136C>T, p.Leu46= (NM_001282624.2); c.379C>T, p.Leu127= (NM_001282625.2, NM_001282626.2, NM_005572.4 and 1 more transcripts).
Identifiers: ClinVar variation 1640627 (VCV001640627.10), dbSNP rs1428192739, ClinGen allele CA421068214.
Genomic context (GRCh38, chr1:156,130,639, plus strand): 5'-CTCCTTCTCTTAAATCTACTCTCCCCTCTCTTCTTTAGCAATACCAAGAAGGAGGGTGAC[C>T]TGATAGCTGCTCAGGCTCGGCTGAAGGACCTGGAGGCTCTGCTGAACTCCAAGGAGGCCG-3'
Protein context (NP_733821.1, residues 117-137): KARNTKKEGD[Leu127=]IAAQARLKDL